The following is an entry in ClinVar:

ClinVar aggregate classification (germline): Pathogenic/Likely pathogenic. Review status: criteria provided, multiple submitters, no conflicts (2 of 4 stars). 6 submissions from 6 submitters: Pathogenic (3); Likely pathogenic (2). 1 of the submissions does not count toward it. Last evaluated 2025-04-01.

Conditions:
Neurofibromatosis, type 1 (NF1). Also called: VON RECKLINGHAUSEN DISEASE; Neurofibromatosis, type I; Peripheral type neurofibromatosis; NEUROFIBROMATOSIS, TYPE I, SOMATIC. Identifiers: Orphanet 636, MedGen C0027831, MONDO:0018975, OMIM 162200. Disease mechanism: loss of function.
NF1-related disorder. Also called: NF1-related condition. Identifiers: MedGen CN379171.

Submissions (6):

Labcorp Genetics (formerly Invitae), Labcorp
Classification: Pathogenic for Neurofibromatosis, type 1. Last evaluated: 2025-04-01. Review status: criteria provided, single submitter. Criteria: Invitae Variant Classification Sherloc (09022015). Collection method: clinical testing. Allele origin: germline.
Comment: This sequence change falls in intron 20 of the NF1 gene. It does not directly change the encoded amino acid sequence of the NF1 protein. RNA analysis indicates that this variant induces altered splicing and may result in an absent or altered protein product. This variant is not present in population databases (gnomAD no frequency). This variant has been observed in individuals with clinical features of neurofibromatosis type 1 (PMID: 32126153; internal data). ClinVar contains an entry for this variant (Variation ID: 804167). Studies have shown that this variant results in activation of a cryptic splice site, and produces a non-functional protein and/or introduces a premature termination codon (PMID: 32126153). For these reasons, this variant has been classified as Pathogenic.

Blueprint Genetics
Classification: Pathogenic for NF1-related disorders. Last evaluated: 2023-04-17. Review status: criteria provided, single submitter. Criteria: ACMG Guidelines, 2015. Collection method: clinical testing. Allele origin: germline. Affected: yes. Observed: 1 variant allele.

Medical Genetics, University of Parma
Classification: Likely pathogenic for Neurofibromatosis, type 1. Last evaluated: 2022-08-17. Review status: criteria provided, single submitter. Criteria: ACMG Guidelines, 2015. Collection method: clinical testing. Allele origin: germline. Inheritance: Autosomal dominant inheritance. Affected: yes.

Genome-Nilou Lab
Classification: Likely pathogenic for Neurofibromatosis, type 1. Last evaluated: 2022-03-15. Review status: criteria provided, single submitter. Criteria: ACMG Guidelines, 2015. Collection method: clinical testing. Allele origin: germline. Affected: no.

UAB Medical Genomics Laboratory, UAB Medicine
Classification: Pathogenic for Neurofibromatosis, type 1. Last evaluated: 2020-01-20. Review status: criteria provided, single submitter. Criteria: ACMG Guidelines, 2015. Collection method: clinical testing. Allele origin: germline. Affected: yes.

Institute of Human Genetics, Cologne University
Classification: Uncertain significance for Neurofibromatosis, type 1. Review status: no assertion criteria provided. Collection method: clinical testing. Allele origin: unknown. Inheritance: Autosomal dominant inheritance. Affected: yes. Observed: 1 heterozygote. Not counted in ClinVar's aggregate classification.

Literature cited by the submitters: PubMed 32126153 (cited by Labcorp Genetics (formerly Invitae), Labcorp and UAB Medical Genomics Laboratory, UAB Medicine).

NM_001042492.3(NF1):c.2410-13A>G

Gene: NF1 (neurofibromin 1; plus strand). Cytogenetic location: 17q11.2.
Variant type: single nucleotide variant.
Coding change: c.2410-13A>G on transcript NM_001042492.3 (MANE Select); 13 bases into the intron before coding-DNA position 2410, A replaced by G.
Molecular consequence: intron variant.
Genome position (GRCh38, 1-based): chr17:31,229,012, A>G. VCF-style: chr17-31229012-A-G. GRCh37 (hg19) VCF-style: chr17-29556030-A-G.
Other names: c.2410-13A>G (NM_000267.4).
Identifiers: ClinVar variation 804167 (VCV000804167.12), dbSNP rs1567848711, ClinGen allele CA915949775.